The following is an entry in ClinVar:

ClinVar aggregate classification (germline): Conflicting classifications of pathogenicity. Review status: criteria provided, conflicting classifications (1 of 4 stars). 3 submissions from 3 submitters: Uncertain significance (1); Likely benign (1). 1 of the submissions does not count toward it. Last evaluated 2023-08-24.

Conditions:
COL18A1-related disorder. Also called: COL18A1-related disorders; COL18A1-related condition.

Allele frequency attached by ClinVar (database versions not stated): ExAC 0.00003; TOPMed 0.00003; gnomAD 0.00006 and 0.00007; gnomAD exomes 0.00006; 1000 Genomes Project 30x 0.00016.
gnomAD v4.1: 70 of 1,613,950 alleles (0.0043%); highest among the groups gnomAD compares: East Asian, 0.0067%; no homozygotes.

Submissions (3):

Blueprint Genetics
Classification: Likely benign. Last evaluated: 2023-08-24. Review status: criteria provided, single submitter. Criteria: ACMG Guidelines, 2015. Collection method: clinical testing. Allele origin: germline.

Labcorp Genetics (formerly Invitae), Labcorp
Classification: Uncertain significance. Last evaluated: 2022-09-13. Review status: criteria provided, single submitter. Criteria: Invitae Variant Classification Sherloc (09022015). Collection method: clinical testing. Allele origin: germline.
Comment: The COL18A1 gene has multiple clinically relevant transcripts. This variant occurs in alternate transcript NM_030582.3, and corresponds to NM_130445.3:c.107-12648C>T in the primary transcript. This sequence change replaces arginine, which is basic and polar, with tryptophan, which is neutral and slightly polar, at codon 22 of the COL18A1 protein (p.Arg22Trp). This variant is present in population databases (rs763995210, gnomAD 0.05%). This variant has not been reported in the literature in individuals affected with COL18A1-related conditions. ClinVar contains an entry for this variant (Variation ID: 1060496). Experimental studies and prediction algorithms are not available or were not evaluated, and the functional significance of this variant is currently unknown. In summary, the available evidence is currently insufficient to determine the role of this variant in disease. Therefore, it has been classified as a Variant of Uncertain Significance.

PreventionGenetics, part of Exact Sciences
Classification: Uncertain significance for COL18A1-related condition. Last evaluated: 2024-08-16. Review status: no assertion criteria provided. Collection method: clinical testing. Allele origin: germline. Not counted in ClinVar's aggregate classification.
Comment: The COL18A1 c.64C>T variant is predicted to result in the amino acid substitution p.Arg22Trp. This variant is deep intronic (c.107-12648C>T) in the transcript NM_001379500. To our knowledge, this variant has not been reported in the literature. This variant is reported in 0.048% of alleles in individuals of Ashkenazi Jewish descent in gnomAD. At this time, the clinical significance of this variant is uncertain due to the absence of conclusive functional and genetic evidence.

NM_001379500.1(COL18A1):c.107-12648C>T

Gene: COL18A1 (collagen type XVIII alpha 1 chain; plus strand). Cytogenetic location: 21q22.3.
Variant type: single nucleotide variant.
Coding change: c.107-12648C>T on transcript NM_001379500.1 (MANE Select); 12648 bases into the intron before coding-DNA position 107, C replaced by T.
Molecular consequence: intron variant. On other transcripts: missense variant (2).
Genome position (GRCh38, 1-based): chr21:45,455,594, C>T. VCF-style: chr21-45455594-C-T. GRCh37 (hg19) VCF-style: chr21-46875508-C-T.
Other names: c.64C>T (NM_030582.3); c.64C>T, p.Arg22Trp (NM_030582.4, NM_130444.3); short protein forms R22W.
Identifiers: ClinVar variation 1060496 (VCV001060496.6), dbSNP rs763995210, ClinGen allele CA10065376.